The following is an entry in ClinVar:

NM_001165963.4(SCN1A):c.554T>C (p.Phe185Ser)

Gene: SCN1A (sodium voltage-gated channel alpha subunit 1; minus strand). Cytogenetic location: 2q24.3.
Variant type: single nucleotide variant.
Coding change: c.554T>C on transcript NM_001165963.4 (MANE Select); coding-DNA position 554, T replaced by C.
Protein change: p.Phe185Ser; replaces phenylalanine 185 with serine.
Molecular consequence: missense variant. On other transcripts: 5 prime UTR variant (1), non-coding transcript variant (1).
Genome position (GRCh38, 1-based): chr2:166,054,686, A>G on the plus strand (T>C on the coding strand, the complement: SCN1A is on the minus strand). VCF-style: chr2-166054686-A-G. GRCh37 (hg19) VCF-style: chr2-166911196-A-G.
Other names: c.554T>C, p.Phe185Ser (NM_001165964.3, NM_001202435.3, NM_001353948.2 and 10 more transcripts); c.-1872T>C (NM_001353961.2); short protein forms F185S.
Identifiers: ClinVar variation 1341587 (VCV001341587.3), dbSNP rs1358421236, ClinGen allele CA349075432.

ClinVar aggregate classification (germline): Uncertain significance. Review status: criteria provided, multiple submitters, no conflicts (2 of 4 stars). 2 submissions from 2 submitters: Uncertain significance (2). Last evaluated 2024-11-19.

Conditions:
Inborn genetic diseases. Identifiers: MedGen C0950123, MeSH D030342.

Submissions (2):

Ambry Genetics
Classification: Uncertain significance for Inborn genetic diseases. Last evaluated: 2024-11-19. Review status: criteria provided, single submitter. Criteria: Ambry Variant Classification Scheme 2023. Collection method: clinical testing. Allele origin: germline.
Comment: The c.554T>C (p.F185S) alteration is located in exon 4 (coding exon 4) of the SCN1A gene. This alteration results from a T to C substitution at nucleotide position 554, causing the phenylalanine (F) at amino acid position 185 to be replaced by a serine (S). This variant was not reported in population-based cohorts in the Genome Aggregation Database (gnomAD). This amino acid position is highly conserved in available vertebrate species. This missense alteration is located in a region that has a low rate of benign missense variation (Lek, 2016; Firth, 2009). Based on internal structural analysis, p.F185S is inconclusive. This alteration is predicted to be deleterious by in silico analysis. Based on insufficient or conflicting evidence, the clinical significance of this alteration remains unclear.

GeneDx
Classification: Uncertain significance. Last evaluated: 2022-02-07. Review status: criteria provided, single submitter. Criteria: GeneDx Variant Classification Process June 2021. Collection method: clinical testing. Allele origin: germline. Affected: yes.
Comment: Not observed at significant frequency in large population cohorts (gnomAD); Missense variants in this gene are often considered pathogenic (HGMD); In silico analysis supports that this missense variant has a deleterious effect on protein structure/function; Has not been previously published as pathogenic or benign to our knowledge; This substitution is predicted to be within the intracellular loop between the S2 and S3 transmembrane segments of the first homologous domain

Literature cited by the submitters: PubMed 34926809 (cited by Ambry Genetics); PubMed 35087721 (cited by Ambry Genetics).